The following is an entry in ClinVar:

NM_001875.5(CPS1):c.3204A>G (p.Leu1068=)

Gene: CPS1 (carbamoyl-phosphate synthase 1; plus strand). Cytogenetic location: 2q34.
Variant type: single nucleotide variant.
Coding change: c.3204A>G on transcript NM_001875.5 (MANE Select); coding-DNA position 3204, A replaced by G.
Protein change: p.Leu1068=; no amino-acid change (leucine 1068 retained).
Molecular consequence: synonymous variant. On other transcripts: non-coding transcript variant (2).
Genome position (GRCh38, 1-based): chr2:210,647,925, A>G. VCF-style: chr2-210647925-A-G. GRCh37 (hg19) VCF-style: chr2-211512649-A-G.
Other names: c.3204A>G, p.Leu1068= (NM_001122633.3, NM_001369257.1); c.3237A>G, p.Leu1079= (NM_001369256.1).
Identifiers: ClinVar variation 1109297 (VCV001109297.32), dbSNP rs766909251, ClinGen allele CA2086862.
Genomic context (GRCh38, chr2:210,647,925, plus strand): 5'-ATGTGGTGGCTGCATCATATCAGTTGGAGGCCAGATTCCAAACAACCTGGCAGTTCCTCT[A>G]TACAAGAATGGTGTCAAGATCATGGGCACAAGCCCCCTGCAGATCGACAGGGCTGAGGAT-3'
Protein context (NP_001866.2, residues 1058-1078): GQIPNNLAVP[Leu1068=]YKNGVKIMGT

ClinVar aggregate classification (germline): Likely benign. Review status: criteria provided, multiple submitters, no conflicts (2 of 4 stars). 2 submissions from 2 submitters: Likely benign (2). Last evaluated 2023-12-08.

Conditions:
Congenital hyperammonemia, type I. Also called: Carbamoyl phosphate synthetase 1 deficiency; Hyperammonemia due to carbamoyl phosphate synthetase 1 deficiency; CPS 1 deficiency; Carbamyl phosphate synthetase (CPS) deficiency; Carbamoyl-phosphate synthase I deficiency; Carbamoyl phosphate synthetase I deficiency disease. Identifiers: Orphanet 147, MedGen C4082171, MONDO:0009376, OMIM 237300.

Allele frequency attached by ClinVar (database versions not stated): gnomAD 0.00001; TOPMed 0.00003.
gnomAD v4.1: 18 of 1,613,948 alleles (0.0011%); highest among the groups gnomAD compares: Non-Finnish European, 0.0015%; no homozygotes.

Submissions (2):

Labcorp Genetics (formerly Invitae), Labcorp
Classification: Likely benign for Congenital hyperammonemia, type I. Last evaluated: 2023-12-08. Review status: criteria provided, single submitter. Criteria: Invitae Variant Classification Sherloc (09022015). Collection method: clinical testing. Allele origin: germline.

CeGaT Center for Human Genetics Tuebingen
Classification: Likely benign. Last evaluated: 2023-02-01. Review status: criteria provided, single submitter. Criteria: CeGaT Center For Human Genetics Tuebingen Variant Classification Criteria Version 2. Collection method: clinical testing. Allele origin: germline. Affected: yes. Observed: 1 variant allele.
Comment: CPS1: BP4, BP7